The following is an entry in ClinVar:

NM_001374736.1(DST):c.4927G>A (p.Glu1643Lys)

Gene: DST (dystonin; minus strand). Cytogenetic location: 6p12.1.
Variant type: single nucleotide variant.
Coding change: c.4927G>A on transcript NM_001374736.1 (MANE Select); coding-DNA position 4927, G replaced by A.
Protein change: p.Glu1643Lys; replaces glutamic acid 1643 with lysine.
Molecular consequence: missense variant.
Genome position (GRCh38, 1-based): chr6:56,624,532, C>T on the plus strand (G>A on the coding strand, the complement: DST is on the minus strand). VCF-style: chr6-56624532-C-T. GRCh37 (hg19) VCF-style: chr6-56489330-C-T.
Other names: c.4828G>A, p.Glu1610Lys (NM_001144769.5); c.4414G>A, p.Glu1472Lys (NM_001144770.2); c.4927G>A, p.Glu1643Lys (NM_001374722.1); c.4294G>A, p.Glu1432Lys (NM_001374729.1, NM_001374730.1, NM_001386100.1 and 1 more transcripts); c.4954G>A, p.Glu1652Lys (NM_001374734.1); c.3316G>A, p.Glu1106Lys (NM_001723.7, NM_015548.5); short protein forms E1472K, E1610K, E1643K, E1652K, E1106K, E1432K.
Identifiers: ClinVar variation 3377855 (VCV003377855.1).

ClinVar aggregate classification (germline): Uncertain significance (1 of 4 stars; one submission).

Submission:

GeneDx
Classification: Uncertain significance. Last evaluated: 2024-05-18. Review status: criteria provided, single submitter. Criteria: GeneDx Variant Classification Process June 2021. Collection method: clinical testing. Allele origin: germline. Affected: yes.
Comment: Not observed at significant frequency in large population cohorts (gnomAD); In silico analysis supports that this missense variant has a deleterious effect on protein structure/function; Has not been previously published as pathogenic or benign to our knowledge; Reported using the transcript encoding the epithelial isoform of the gene